The following is an entry in ClinVar:

ClinVar aggregate classification (germline): Uncertain significance. Review status: criteria provided, multiple submitters, no conflicts (2 of 4 stars). 2 submissions from 2 submitters: Uncertain significance (2). Last evaluated 2024-11-04.

Allele frequency attached by ClinVar (database versions not stated): gnomAD exomes 0.00001.
gnomAD v4.1: 24 of 1,613,698 alleles (0.0015%); highest among the groups gnomAD compares: Admixed American, 0.015%; no homozygotes.

Submissions (2):

Labcorp Genetics (formerly Invitae), Labcorp
Classification: Uncertain significance. Last evaluated: 2024-11-04. Review status: criteria provided, single submitter. Criteria: Invitae Variant Classification Sherloc (09022015). Collection method: clinical testing. Allele origin: germline.
Comment: This sequence change replaces arginine, which is basic and polar, with cysteine, which is neutral and slightly polar, at codon 1214 of the RIMS1 protein (p.Arg1214Cys). This variant is present in population databases (rs753429456, gnomAD 0.02%). This variant has not been reported in the literature in individuals affected with RIMS1-related conditions. ClinVar contains an entry for this variant (Variation ID: 1413261). An algorithm developed to predict the effect of missense changes on protein structure and function (PolyPhen-2) suggests that this variant is likely to be tolerated. In summary, the available evidence is currently insufficient to determine the role of this variant in disease. Therefore, it has been classified as a Variant of Uncertain Significance.

Blueprint Genetics
Classification: Uncertain significance. Last evaluated: 2024-09-24. Review status: criteria provided, single submitter. Criteria: ACMG Guidelines, 2015. Collection method: clinical testing. Allele origin: germline.

NM_014989.7(RIMS1):c.3640C>T (p.Arg1214Cys)

Gene: RIMS1 (regulating synaptic membrane exocytosis 1; plus strand). Cytogenetic location: 6q13.
Variant type: single nucleotide variant.
Coding change: c.3640C>T on transcript NM_014989.7 (MANE Select); coding-DNA position 3640, C replaced by T.
Protein change: p.Arg1214Cys; replaces arginine 1214 with cysteine.
Molecular consequence: missense variant. On other transcripts: intron variant (56).
Genome position (GRCh38, 1-based): chr6:72,290,764, C>T. VCF-style: chr6-72290764-C-T. GRCh37 (hg19) VCF-style: chr6-73000467-C-T.
Other names: c.1714C>T, p.Arg572Cys (NM_001350420.2); c.1696C>T, p.Arg566Cys (NM_001350431.2); c.1783C>T, p.Arg595Cys (NM_001350438.2, NM_001350456.2); c.1786C>T, p.Arg596Cys (NM_001350442.2, NM_001350446.2); c.1645C>T, p.Arg549Cys (NM_001350462.2); c.1632-1170C>T (NM_001350428.2); c.1560-1170C>T (NM_001350459.2, NM_001350424.2); c.1641-1170C>T (NM_001350437.2); and 31 more; short protein forms R572C, R1214C, R595C, R596C, R549C, R566C.
Identifiers: ClinVar variation 1413261 (VCV001413261.8), dbSNP rs753429456, ClinGen allele CA3886307.